The following is an entry in ClinVar:

ClinVar aggregate classification (germline): Likely benign. Review status: criteria provided, single submitter (1 of 4 stars). 2 submissions from 2 submitters: Likely benign (1). 1 of the submissions does not count toward it.

Allele frequency attached by ClinVar (database versions not stated): 1000 Genomes Project 30x 0.00453; 1000 Genomes Project 0.00479; TOPMed 0.00783; gnomAD exomes 0.00975 and 0.01344; ExAC 0.01026; gnomAD 0.01037 and 0.01062; ESP Exome Variant Server 0.01141.
gnomAD v4.1: 21,062 of 1,613,976 alleles (1.3%); highest among the groups gnomAD compares: Non-Finnish European, 1.6%; 195 homozygotes.

Submissions (2):

Breakthrough Genomics
Classification: Likely benign. Review status: criteria provided, single submitter. Criteria: ACMG Guidelines, 2015. Collection method: not provided. Allele origin: germline. Inheritance: Autosomal recessive inheritance. Affected: yes.

Genetic Services Laboratory, University of Chicago
Classification: Likely benign for AllHighlyPenetrant. Review status: no assertion criteria provided. Collection method: clinical testing. Allele origin: germline. Inheritance: Autosomal dominant inheritance. Not counted in ClinVar's aggregate classification.
Comment: Likely benign based on allele frequency in 1000 Genomes Project or ESP global frequency and its presence in a patient with a rare or unrelated disease phenotype. NOT Sanger confirmed.

NM_017757.3(ZNF407):c.1077A>G (p.Val359=)

Gene: ZNF407 (zinc finger protein 407; plus strand). Cytogenetic location: 18q22.3.
Variant type: single nucleotide variant.
Coding change: c.1077A>G on transcript NM_017757.3 (MANE Select); coding-DNA position 1077, A replaced by G.
Protein change: p.Val359=; no amino-acid change (valine 359 retained).
Molecular consequence: synonymous variant.
Genome position (GRCh38, 1-based): chr18:74,632,096, A>G. VCF-style: chr18-74632096-A-G. GRCh37 (hg19) VCF-style: chr18-72344052-A-G.
Other names: c.1077A>G, p.Val359= (NM_001146189.1, NM_001146190.1, NM_001384475.1).
Identifiers: ClinVar variation 130811 (VCV000130811.7), dbSNP rs77148611, ClinGen allele CA156105.